The following is an entry in ClinVar:

ClinVar aggregate classification (germline): Uncertain significance (1 of 4 stars; one submission).

Conditions:
BAP1-related tumor predisposition syndrome (TPDS1). Also called: Tumor susceptibility linked to germline BAP1 mutations; BAP1 tumor predisposition syndrome; COMMON Syndrome; TUMOR PREDISPOSITION SYNDROME 1. Identifiers: Orphanet 289539, MedGen C3280492, MONDO:0013692, OMIM 614327.

Submission:

Labcorp Genetics (formerly Invitae), Labcorp
Classification: Uncertain significance for BAP1-related tumor predisposition syndrome. Last evaluated: 2023-02-14. Review status: criteria provided, single submitter. Criteria: Invitae Variant Classification Sherloc (09022015). Collection method: clinical testing. Allele origin: germline.
Comment: In summary, the available evidence is currently insufficient to determine the role of this variant in disease. Therefore, it has been classified as a Variant of Uncertain Significance. Advanced modeling of protein sequence and biophysical properties (such as structural, functional, and spatial information, amino acid conservation, physicochemical variation, residue mobility, and thermodynamic stability) performed at Invitae indicates that this missense variant is not expected to disrupt BAP1 protein function. This variant has not been reported in the literature in individuals affected with BAP1-related conditions. This variant is not present in population databases (gnomAD no frequency). This sequence change replaces alanine, which is neutral and non-polar, with threonine, which is neutral and polar, at codon 161 of the BAP1 protein (p.Ala161Thr).

NM_004656.4(BAP1):c.481G>A (p.Ala161Thr)

Gene: BAP1 (BRCA1 associated deubiquitinase 1; minus strand). Cytogenetic location: 3p21.1.
Variant type: single nucleotide variant.
Coding change: c.481G>A on transcript NM_004656.4 (MANE Select); coding-DNA position 481, G replaced by A.
Protein change: p.Ala161Thr; replaces alanine 161 with threonine.
Molecular consequence: missense variant.
Genome position (GRCh38, 1-based): chr3:52,407,273, C>T on the plus strand (G>A on the coding strand, the complement: BAP1 is on the minus strand). VCF-style: chr3-52407273-C-T. GRCh37 (hg19) VCF-style: chr3-52441289-C-T.
Other names: c.481G>A, p.Ala161Thr (NM_001410772.1); short protein forms A161T.
Identifiers: ClinVar variation 2837254 (VCV002837254.3), dbSNP rs2153227847, ClinGen allele CA353110172.